The following is an entry in ClinVar:

NM_000535.7(PMS2):c.2312C>T (p.Pro771Leu)

Gene: PMS2 (PMS1 homolog 2, mismatch repair system component; minus strand). Cytogenetic location: 7p22.1.
Variant type: single nucleotide variant.
Coding change: c.2312C>T on transcript NM_000535.7 (MANE Select); coding-DNA position 2312, C replaced by T.
Protein change: p.Pro771Leu; replaces proline 771 with leucine.
Molecular consequence: missense variant.
Genome position (GRCh38, 1-based): chr7:5,977,721, G>A on the plus strand (C>T on the coding strand, the complement: PMS2 is on the minus strand). VCF-style: chr7-5977721-G-A. GRCh37 (hg19) VCF-style: chr7-6017352-G-A.
Other names: c.1907C>T, p.Pro636Leu (NM_001322003.2, NM_001322004.2, NM_001322005.2); c.2156C>T, p.Pro719Leu (NM_001322006.2); c.1994C>T, p.Pro665Leu (NM_001322007.2, NM_001322008.2); c.1940C>T, p.Pro647Leu (NM_001322009.2); c.1751C>T, p.Pro584Leu (NM_001322010.2); c.1379C>T, p.Pro460Leu (NM_001322011.2, NM_001322012.2); c.1739C>T, p.Pro580Leu (NM_001322013.2); c.2345C>T, p.Pro782Leu (NM_001322014.2); and 1 more; short protein forms P460L, P580L, P584L, P636L, P647L, P665L, P668L, P719L.
Identifiers: ClinVar variation 1022127 (VCV001022127.13), dbSNP rs759653526, ClinGen allele CA047524.

ClinVar aggregate classification (germline): Uncertain significance. Review status: criteria provided, multiple submitters, no conflicts (2 of 4 stars). 2 submissions from 2 submitters: Uncertain significance (2). Last evaluated 2025-09-03.

Conditions:
Hereditary nonpolyposis colorectal neoplasms. Identifiers: MedGen C0009405, MeSH D003123.
Hereditary cancer-predisposing syndrome. Also called: Hereditary Cancer Syndrome; Neoplastic Syndromes, Hereditary; Tumor predisposition; Hereditary neoplastic syndrome. Identifiers: Orphanet 140162, MedGen C0027672, MeSH D009386, MONDO:0015356.

Allele frequency attached by ClinVar (database versions not stated): gnomAD exomes below 0.00001; ExAC 0.00001.

Submissions (2):

Ambry Genetics
Classification: Uncertain significance for Hereditary cancer-predisposing syndrome. Last evaluated: 2025-09-03. Review status: criteria provided, single submitter. Criteria: Ambry Variant Classification Scheme 2023. Collection method: clinical testing. Allele origin: germline.
Comment: The p.P771L variant (also known as c.2312C>T), located in coding exon 14 of the PMS2 gene, results from a C to T substitution at nucleotide position 2312. The proline at codon 771 is replaced by leucine, an amino acid with similar properties. This amino acid position is conserved. In addition, this alteration is predicted to be deleterious by in silico analysis. Based on the available evidence, the clinical significance of this variant remains unclear.

Labcorp Genetics (formerly Invitae), Labcorp
Classification: Uncertain significance for Hereditary nonpolyposis colorectal neoplasms. Last evaluated: 2025-06-08. Review status: criteria provided, single submitter. Criteria: Invitae Variant Classification Sherloc (09022015). Collection method: clinical testing. Allele origin: germline.
Comment: This sequence change replaces proline, which is neutral and non-polar, with leucine, which is neutral and non-polar, at codon 771 of the PMS2 protein (p.Pro771Leu). The frequency data for this variant in the population databases (gnomAD) is considered unreliable due to the presence of homologous sequence, such as pseudogenes or paralogs, in the genome. This variant has not been reported in the literature in individuals affected with PMS2-related conditions. ClinVar contains an entry for this variant (Variation ID: 1022127). Invitae Evidence Modeling of protein sequence and biophysical properties (such as structural, functional, and spatial information, amino acid conservation, physicochemical variation, residue mobility, and thermodynamic stability) indicates that this missense variant is expected to disrupt PMS2 protein function with a positive predictive value of 80%. In summary, the available evidence is currently insufficient to determine the role of this variant in disease. Therefore, it has been classified as a Variant of Uncertain Significance.